The following is an entry in ClinVar:

ClinVar aggregate classification (germline): Uncertain significance. Review status: criteria provided, multiple submitters, no conflicts (2 of 4 stars). 4 submissions from 4 submitters: Uncertain significance (4). Last evaluated 2025-03-01.

Conditions:
Bethlem myopathy 1A. Also called: Bethlem Muscular Dystrophy; MYOPATHY, BENIGN CONGENITAL, WITH CONTRACTURES; Bethlem myopathy 1. Identifiers: Orphanet 610, MedGen CN029274, MONDO:0024530, OMIM 158810.

Submissions (4):

Labcorp Genetics (formerly Invitae), Labcorp
Classification: Uncertain significance for Bethlem myopathy 1A. Last evaluated: 2025-03-01. Review status: criteria provided, single submitter. Criteria: Invitae Variant Classification Sherloc (09022015). Collection method: clinical testing. Allele origin: germline.
Comment: This variant, c.898_900del, results in the deletion of 1 amino acid(s) of the COL6A3 protein (p.Ser300del), but otherwise preserves the integrity of the reading frame. This variant is present in population databases (rs554176183, gnomAD 0.005%). This variant has been observed in individual(s) with clinical features of limb-girdle muscular dystrophy (PMID: 30564623). ClinVar contains an entry for this variant (Variation ID: 288973). Experimental studies and prediction algorithms are not available or were not evaluated, and the functional significance of this variant is currently unknown. In summary, the available evidence is currently insufficient to determine the role of this variant in disease. Therefore, it has been classified as a Variant of Uncertain Significance.

Revvity Omics, Revvity
Classification: Uncertain significance. Last evaluated: 2024-08-19. Review status: criteria provided, single submitter. Criteria: ACMG Guidelines, 2015. Collection method: clinical testing. Allele origin: germline.

GeneDx
Classification: Uncertain significance. Last evaluated: 2019-11-25. Review status: criteria provided, single submitter. Criteria: GeneDx Variant Classification Process June 2021. Collection method: clinical testing. Allele origin: germline. Affected: yes.
Comment: Reported as a variant of uncertain significance in a patient with limb-girdle muscular dystrophy (Nallamilli et al., 2018); In-frame deletion of 1 amino acid in a non-repeat region; In silico analysis, which includes protein predictors and evolutionary conservation, supports a deleterious effect; This variant is associated with the following publications: (PMID: 30564623)

Eurofins Ntd Llc (ga)
Classification: Uncertain significance. Last evaluated: 2018-01-12. Review status: criteria provided, single submitter. Criteria: EGL Classification Definitions 2015. Collection method: clinical testing. Allele origin: germline. Observed: 5 variant alleles, 5 heterozygotes.

Literature cited by the submitters: PubMed 30564623 (cited by Labcorp Genetics (formerly Invitae), Labcorp).

NM_004369.4(COL6A3):c.898_900del (p.Ser300del)

Gene: COL6A3 (collagen type VI alpha 3 chain; minus strand). Cytogenetic location: 2q37.3.
Variant type: Deletion.
Coding change: c.898_900del on transcript NM_004369.4 (MANE Select); coding-DNA positions 898 to 900, 3 bases deleted (TCC; older notation c.898_900delTCC).
Protein change: p.Ser300del; deletes serine 300.
Molecular consequence: inframe deletion. On other transcripts: intron variant (2).
Genome position (GRCh38, 1-based): chr2:237,387,994-237,387,996, GGA deleted on the plus strand (TCC on the coding strand, the reverse complement: COL6A3 is on the minus strand); deleting any 3 consecutive bases within chr2:237,387,994-237,387,997 gives the same sequence; the c. name uses the placement nearest the transcript's 3' end. VCF-style (leftmost placement, unchanged base first): chr2-237387993-TGGA-T. GRCh37 (hg19) VCF-style: chr2-238296636-TGGA-T.
Other names: c.280_282del, p.Ser94del (NM_057165.5, NM_057167.4); c.92-6497_92-6495del (NM_057166.5, NM_057164.5); c.898_900delTCC (NM_004369.3); short protein forms S300del, S94del.
Identifiers: ClinVar variation 288973 (VCV000288973.17), dbSNP rs554176183, ClinGen allele CA2189754.